The following is an entry in ClinVar:

ClinVar aggregate classification (germline): Likely pathogenic (1 of 4 stars; one submission).

Conditions:
Aromatase deficiency. Also called: PSEUDOHERMAPHRODITISM, FEMALE, DUE TO PLACENTAL AROMATASE DEFICIENCY; Increased aromatase activity. Identifiers: Orphanet 91, MedGen C1960539, MONDO:0013301, OMIM 613546.

gnomAD v4.1: 7 of 1,614,078 alleles (0.00043%); highest among the groups gnomAD compares: South Asian, 0.0022%; no homozygotes.

Submission:

Natera, Inc.
Classification: Likely pathogenic for Aromatase deficiency. Last evaluated: 2025-06-18. Review status: criteria provided, single submitter. Criteria: Natera Variant Classification Schema (03/2026). Collection method: clinical testing. Allele origin: germline.
Comment: The c.574C>T variant in CYP19A1 is a missense variant predicted to cause substitution of arginine to cysteine at amino acid 192. This variant is rare in the general population with a frequency below the threshold expected for the associated phenotype(s). This variant has been observed in one or more individuals affected with the associated recessive disease, as either homozygous or compound heterozygous with a second variant (PMID: 25415177). Additionally, this variant has been observed to segregate in affected family members (PMID: 30173221). Computational prediction algorithms indicate this variant is likely to affect gene or protein function. Given the available evidence, this variant is classified as Likely Pathogenic.

Literature cited by the submitters: PubMed 25415177; PubMed 30173221.

NM_000103.4(CYP19A1):c.574C>T (p.Arg192Cys)

Genes: MIR4713HG (MIR4713 host gene; plus strand), PIRC66 (piwi-interacting RNA cluster 66; plus strand), CYP19A1 (cytochrome P450 family 19 subfamily A member 1; minus strand). Cytogenetic location: 15q21.2.
Variant type: single nucleotide variant.
Coding change: c.574C>T on transcript NM_000103.4 (MANE Select); coding-DNA position 574, C replaced by T.
Protein change: p.Arg192Cys; replaces arginine 192 with cysteine.
Molecular consequence: missense variant.
Genome position (GRCh38, 1-based): chr15:51,222,403, G>A on the plus strand (C>T on the coding strand, the complement: CYP19A1 is on the minus strand). VCF-style: chr15-51222403-G-A. GRCh37 (hg19) VCF-style: chr15-51514600-G-A.
Other names: c.574C>T, p.Arg192Cys (NM_001347248.1, NM_001347249.2, NM_001347250.2 and 7 more transcripts); short protein forms R192C.
Identifiers: ClinVar variation 4816272 (VCV004816272.1).
Genomic context (GRCh38, chr15:51,222,403, plus strand): 5'-CAGTACCGTCCAAAGGGATCCTCAAGAAGAGCGTGTTAGAGGTGTCCAGCATGACACGAC[G>A]CAGAAGGGTCAACACGTCCACATAGCCCGATTCATTGGTCACCTCCTCCAACCTGTCCAG-3'
Protein context (NP_000094.2, residues 182-202): SGYVDVLTLL[Arg192Cys]RVMLDTSNTL